The following is an entry in ClinVar:

NM_182961.4(SYNE1):c.14683C>T (p.Arg4895Cys)

Gene: SYNE1 (spectrin repeat containing nuclear envelope protein 1; minus strand). Cytogenetic location: 6q25.2.
Variant type: single nucleotide variant.
Coding change: c.14683C>T on transcript NM_182961.4 (MANE Select); coding-DNA position 14683, C replaced by T.
Protein change: p.Arg4895Cys; replaces arginine 4895 with cysteine.
Molecular consequence: missense variant.
Genome position (GRCh38, 1-based): chr6:152,330,002, G>A on the plus strand (C>T on the coding strand, the complement: SYNE1 is on the minus strand). VCF-style: chr6-152330002-G-A. GRCh37 (hg19) VCF-style: chr6-152651137-G-A.
Other names: c.14470C>T, p.Arg4824Cys (NM_033071.5); short protein forms R4824C, R4895C.
Identifiers: ClinVar variation 1693321 (VCV001693321.3), dbSNP rs776494157, ClinGen allele CA4055964.

ClinVar aggregate classification (germline): Uncertain significance. Review status: criteria provided, multiple submitters, no conflicts (2 of 4 stars). 2 submissions from 2 submitters: Uncertain significance (2). Last evaluated 2021-12-30.

Allele frequency attached by ClinVar (database versions not stated): TOPMed below 0.00001; ExAC 0.00001; gnomAD 0.00001; gnomAD exomes 0.00001.
gnomAD v4.1: 40 of 1,613,990 alleles (0.0025%); highest among the groups gnomAD compares: Non-Finnish European, 0.0033%; no homozygotes.

Submissions (2):

GeneDx
Classification: Uncertain significance. Last evaluated: 2021-12-30. Review status: criteria provided, single submitter. Criteria: GeneDx Variant Classification Process June 2021. Collection method: clinical testing. Allele origin: germline. Affected: yes.
Comment: Not observed at significant frequency in large population cohorts (gnomAD); In silico analysis supports that this missense variant has a deleterious effect on protein structure/function; Has not been previously published as pathogenic or benign to our knowledge

Athena Diagnostics
Classification: Uncertain significance. Last evaluated: 2021-09-13. Review status: criteria provided, single submitter. Criteria: Athena Diagnostics Criteria. Collection method: clinical testing. Allele origin: unknown.